The following is an entry in ClinVar:

NM_001304438.2(TMEM132E):c.1828G>T (p.Asp610Tyr)

Gene: TMEM132E (transmembrane protein 132E; plus strand). Cytogenetic location: 17q12.
Variant type: single nucleotide variant.
Coding change: c.1828G>T on transcript NM_001304438.2 (MANE Select); coding-DNA position 1828, G replaced by T.
Protein change: p.Asp610Tyr; replaces aspartic acid 610 with tyrosine.
Molecular consequence: missense variant.
Genome position (GRCh38, 1-based): chr17:34,634,938, G>T. VCF-style: chr17-34634938-G-T. GRCh37 (hg19) VCF-style: chr17-32961957-G-T.
Other names: short protein forms D610Y.
Identifiers: ClinVar variation 3632943 (VCV003632943.2).

ClinVar aggregate classification (germline): Uncertain significance (1 of 4 stars; one submission).

Submission:

Labcorp Genetics (formerly Invitae), Labcorp
Classification: Uncertain significance. Last evaluated: 2024-07-05. Review status: criteria provided, single submitter. Criteria: Invitae Variant Classification Sherloc (09022015). Collection method: clinical testing. Allele origin: germline.
Comment: This sequence change replaces aspartic acid, which is acidic and polar, with tyrosine, which is neutral and polar, at codon 610 of the TMEM132E protein (p.Asp610Tyr). This variant is not present in population databases (gnomAD no frequency). This variant has not been reported in the literature in individuals affected with TMEM132E-related conditions. Experimental studies and prediction algorithms are not available or were not evaluated, and the functional significance of this variant is currently unknown. In summary, the available evidence is currently insufficient to determine the role of this variant in disease. Therefore, it has been classified as a Variant of Uncertain Significance.